The following is an entry in ClinVar:

ClinVar aggregate classification (germline): Uncertain significance. Review status: criteria provided, multiple submitters, no conflicts (2 of 4 stars). 3 submissions from 3 submitters: Uncertain significance (3). Last evaluated 2022-08-16.

Conditions:
Inborn genetic diseases. Identifiers: MedGen C0950123, MeSH D030342.

Allele frequency attached by ClinVar (database versions not stated): TOPMed 0.00001; gnomAD exomes 0.00002; ESP Exome Variant Server 0.00008.
gnomAD v4.1: 31 of 1,614,044 alleles (0.0019%); highest among the groups gnomAD compares: Non-Finnish European, 0.0025%; no homozygotes.

Submissions (3):

Labcorp Genetics (formerly Invitae), Labcorp
Classification: Uncertain significance. Last evaluated: 2022-08-16. Review status: criteria provided, single submitter. Criteria: Invitae Variant Classification Sherloc (09022015). Collection method: clinical testing. Allele origin: germline.
Comment: This sequence change replaces glycine, which is neutral and non-polar, with valine, which is neutral and non-polar, at codon 3905 of the LRP2 protein (p.Gly3905Val). This variant is not present in population databases (gnomAD no frequency). This variant has not been reported in the literature in individuals affected with LRP2-related conditions. ClinVar contains an entry for this variant (Variation ID: 1427698). Advanced modeling of protein sequence and biophysical properties (such as structural, functional, and spatial information, amino acid conservation, physicochemical variation, residue mobility, and thermodynamic stability) performed at Invitae indicates that this missense variant is not expected to disrupt LRP2 protein function. In summary, the available evidence is currently insufficient to determine the role of this variant in disease. Therefore, it has been classified as a Variant of Uncertain Significance.

Ambry Genetics
Classification: Uncertain significance for Inborn genetic diseases. Last evaluated: 2021-08-09. Review status: criteria provided, single submitter. Criteria: Ambry Variant Classification Scheme 2023. Collection method: clinical testing. Allele origin: germline.

Blueprint Genetics
Classification: Uncertain significance. Last evaluated: 2019-01-04. Review status: criteria provided, single submitter. Criteria: ACMG Guidelines, 2015. Collection method: clinical testing. Allele origin: germline.

NM_004525.3(LRP2):c.11714G>T (p.Gly3905Val)

Gene: LRP2 (LDL receptor related protein 2; minus strand). Cytogenetic location: 2q31.1.
Variant type: single nucleotide variant.
Coding change: c.11714G>T on transcript NM_004525.3 (MANE Select); coding-DNA position 11714, G replaced by T.
Protein change: p.Gly3905Val; replaces glycine 3905 with valine.
Molecular consequence: missense variant.
Genome position (GRCh38, 1-based): chr2:169,165,976, C>A on the plus strand (G>T on the coding strand, the complement: LRP2 is on the minus strand). VCF-style: chr2-169165976-C-A. GRCh37 (hg19) VCF-style: chr2-170022486-C-A.
Other names: c.11714G>T (NM_004525.2); short protein forms G3905V.
Identifiers: ClinVar variation 1427698 (VCV001427698.5), dbSNP rs369681378, ClinGen allele CA59905607.